The following is an entry in ClinVar:

ClinVar aggregate classification (germline): Conflicting classifications of pathogenicity. Review status: criteria provided, conflicting classifications (1 of 4 stars). 3 submissions from 3 submitters: Uncertain significance (2); Likely benign (1). Last evaluated 2023-08-17.

Conditions:
Hereditary cancer-predisposing syndrome. Also called: Hereditary Cancer Syndrome; Hereditary neoplastic syndrome; Neoplastic Syndromes, Hereditary; Tumor predisposition. Identifiers: Orphanet 140162, MedGen C0027672, MeSH D009386, MONDO:0015356.
Microcephaly, normal intelligence and immunodeficiency (NBS). Also called: Ataxia telangiectasia variant V1; IMMUNODEFICIENCY, MICROCEPHALY, AND CHROMOSOMAL INSTABILITY; SEEMANOVA SYNDROME II; Nijmegen breakage syndrome; Microcephaly with normal intelligence immunodeficiency and lymphoreticular malignancies; Nonsyndromal microcephaly autosomal recessive with normal intelligence. Identifiers: Orphanet 647, MedGen C0398791, MONDO:0009623, OMIM 251260.

Submissions (3):

Labcorp Genetics (formerly Invitae), Labcorp
Classification: Uncertain significance for Microcephaly, normal intelligence and immunodeficiency. Last evaluated: 2023-08-17. Review status: criteria provided, single submitter. Criteria: Invitae Variant Classification Sherloc (09022015). Collection method: clinical testing. Allele origin: germline.
Comment: This sequence change replaces asparagine, which is neutral and polar, with lysine, which is basic and polar, at codon 517 of the NBN protein (p.Asn517Lys). This variant is not present in population databases (gnomAD no frequency). This variant has not been reported in the literature in individuals affected with NBN-related conditions. ClinVar contains an entry for this variant (Variation ID: 925739). Algorithms developed to predict the effect of missense changes on protein structure and function output the following: SIFT: "Not Available"; PolyPhen-2: "Benign"; Align-GVGD: "Not Available". The lysine amino acid residue is found in multiple mammalian species, which suggests that this missense change does not adversely affect protein function. In summary, the available evidence is currently insufficient to determine the role of this variant in disease. Therefore, it has been classified as a Variant of Uncertain Significance.

Genome-Nilou Lab
Classification: Uncertain significance for Microcephaly, normal intelligence and immunodeficiency. Last evaluated: 2021-11-07. Review status: criteria provided, single submitter. Criteria: ACMG Guidelines, 2015. Collection method: clinical testing. Allele origin: germline. Affected: no.

Ambry Genetics
Classification: Likely benign for Hereditary cancer-predisposing syndrome. Last evaluated: 2021-11-03. Review status: criteria provided, single submitter. Criteria: Ambry Variant Classification Scheme 2023. Collection method: clinical testing. Allele origin: germline.

NM_002485.5(NBN):c.1551C>A (p.Asn517Lys)

Gene: NBN (nibrin; minus strand). Cytogenetic location: 8q21.3.
Variant type: single nucleotide variant.
Coding change: c.1551C>A on transcript NM_002485.5 (MANE Select); coding-DNA position 1551, C replaced by A.
Protein change: p.Asn517Lys; replaces asparagine 517 with lysine.
Molecular consequence: missense variant.
Genome position (GRCh38, 1-based): chr8:89,953,538, G>T on the plus strand (C>A on the coding strand, the complement: NBN is on the minus strand). VCF-style: chr8-89953538-G-T. GRCh37 (hg19) VCF-style: chr8-90965766-G-T.
Other names: c.1305C>A, p.Asn435Lys (NM_001024688.3); short protein forms N435K, N517K.
Identifiers: ClinVar variation 925739 (VCV000925739.16), dbSNP rs876658744, ClinGen allele CA371655615.
Genomic context (GRCh38, chr8:89,953,538, plus strand): 5'-ACTGGCAGAATTTTTCACAATAGATTTTAAATCTGTATCTGTAAATAAGTTATTGTCTGA[G>T]TTTGTGTCCACAGGCTCATTCTCAGATAGATGCTGCTCCTTATTTTTCCACAATGAGGGT-3'
Protein context (NP_002476.2, residues 507-527): HLSENEPVDT[Asn517Lys]SDNNLFTDTD